The following is an entry in ClinVar:

ClinVar aggregate classification (germline): Uncertain significance (1 of 4 stars; one submission).

Allele frequency attached by ClinVar (database versions not stated): gnomAD exomes 0.00001; ExAC 0.00002; gnomAD 0.00002.
gnomAD v4.1: 10 of 1,594,504 alleles (0.00063%); highest among the groups gnomAD compares: South Asian, 0.0045%; no homozygotes.

Submission:

Labcorp Genetics (formerly Invitae), Labcorp
Classification: Uncertain significance. Last evaluated: 2022-04-01. Review status: criteria provided, single submitter. Criteria: Invitae Variant Classification Sherloc (09022015). Collection method: clinical testing. Allele origin: germline.
Comment: This sequence change replaces proline, which is neutral and non-polar, with leucine, which is neutral and non-polar, at codon 308 of the TSFM protein (p.Pro308Leu). This variant is present in population databases (rs771840126, gnomAD 0.004%). This variant has not been reported in the literature in individuals affected with TSFM-related conditions. Algorithms developed to predict the effect of missense changes on protein structure and function are either unavailable or do not agree on the potential impact of this missense change (SIFT: "Tolerated"; PolyPhen-2: "Probably Damaging"; Align-GVGD: "Class C0"). In summary, the available evidence is currently insufficient to determine the role of this variant in disease. Therefore, it has been classified as a Variant of Uncertain Significance.

NM_005726.6(TSFM):c.860C>T (p.Pro287Leu)

Gene: TSFM (Ts translation elongation factor, mitochondrial; plus strand). Cytogenetic location: 12q14.1.
Variant type: single nucleotide variant.
Coding change: c.860C>T on transcript NM_005726.6 (MANE Select); coding-DNA position 860, C replaced by T.
Protein change: p.Pro287Leu; replaces proline 287 with leucine.
Molecular consequence: missense variant. On other transcripts: 3 prime UTR variant (1), intron variant (1).
Genome position (GRCh38, 1-based): chr12:57,796,465, C>T. VCF-style: chr12-57796465-C-T. GRCh37 (hg19) VCF-style: chr12-58190248-C-T.
Other names: c.*268C>T (NM_001172695.2); c.923C>T, p.Pro308Leu (NM_001172696.2); c.571+3392C>T (NM_001172697.2); short protein forms P287L, P308L.
Identifiers: ClinVar variation 2070733 (VCV002070733.1), dbSNP rs771840126, ClinGen allele CA6659460.